The following is an entry in ClinVar:

ClinVar aggregate classification (germline): Uncertain significance (1 of 4 stars; one submission).

Submission:

Quest Diagnostics Nichols Institute San Juan Capistrano
Classification: Uncertain significance. Last evaluated: 2025-01-13. Review status: criteria provided, single submitter. Criteria: Quest Diagnostics criteria. Collection method: clinical testing. Allele origin: unknown.
Comment: The BRCA2 c.8811T>G (p.Asn2937Lys) variant has not been reported in individuals with BRCA2-related conditions in the published literature. It also has not been reported in large, multi-ethnic general populations (Genome Aggregation Database). Analysis of this variant using bioinformatics tools for the prediction of the effect of amino acid changes on protein structure and function yielded conflicting predictions that this variant is benign or damaging. Based on the available information, we are unable to determine the clinical significance of this variant.

NM_000059.4(BRCA2):c.8811T>G (p.Asn2937Lys)

Gene: BRCA2 (BRCA2 DNA repair associated; plus strand). Cytogenetic location: 13q13.1.
Variant type: single nucleotide variant.
Coding change: c.8811T>G on transcript NM_000059.4 (MANE Select); coding-DNA position 8811, T replaced by G.
Protein change: p.Asn2937Lys; replaces asparagine 2937 with lysine.
Molecular consequence: missense variant. On other transcripts: non-coding transcript variant (1).
Genome position (GRCh38, 1-based): chr13:32,379,373, T>G. VCF-style: chr13-32379373-T-G. GRCh37 (hg19) VCF-style: chr13-32953510-T-G.
Other names: c.8715T>G, p.Asn2905Lys (NM_001406719.1); c.8811T>G, p.Asn2937Lys (NM_001406720.1, NM_001432077.1); c.3879T>G, p.Asn1293Lys (NM_001406721.1); c.2394T>G, p.Asn798Lys (NM_001406722.1); short protein forms N1293K, N2905K, N2937K, N798K.
Identifiers: ClinVar variation 4532839 (VCV004532839.1).